The following is an entry in ClinVar:

NM_000090.4(COL3A1):c.1351G>A (p.Glu451Lys)

Gene: COL3A1 (collagen type III alpha 1 chain; plus strand). Cytogenetic location: 2q32.2.
Variant type: single nucleotide variant.
Coding change: c.1351G>A on transcript NM_000090.4 (MANE Select); coding-DNA position 1351, G replaced by A.
Protein change: p.Glu451Lys; replaces glutamic acid 451 with lysine.
Molecular consequence: missense variant.
Genome position (GRCh38, 1-based): chr2:188,994,727, G>A. VCF-style: chr2-188994727-G-A. GRCh37 (hg19) VCF-style: chr2-189859453-G-A.
Other names: short protein forms E451K.
Identifiers: ClinVar variation 561178 (VCV000561178.18), dbSNP rs1559056438, ClinGen allele CA349851735.

ClinVar aggregate classification (germline): Pathogenic/Likely pathogenic. Review status: criteria provided, multiple submitters, no conflicts (2 of 4 stars). 4 submissions from 4 submitters: Pathogenic (1); Likely pathogenic (1). 2 of the submissions do not count toward it. Last evaluated 2024-09-16.

Conditions:
Familial thoracic aortic aneurysm and aortic dissection (TAAD). Also called: Thoracic aortic aneurysms and dissections. Identifiers: Orphanet 91387, MedGen C4707243, MONDO:0019625.
Ehlers-Danlos syndrome, type 4 (EDSVASC). Also called: Ehlers-Danlos syndrome vascular type; Ehlers Danlos syndrome, ecchymotic type; Ehlers Danlos syndrome, arterial type; Ehlers Danlos syndrome, Sack-Barabas type; Ehlers-Danlos Syndrome Type IV. Identifiers: Orphanet 286, MedGen C0268338, MONDO:0017314, OMIM 130050.

Submissions (4):

Ambry Genetics
Classification: Likely pathogenic for Familial thoracic aortic aneurysm and aortic dissection. Last evaluated: 2024-09-16. Review status: criteria provided, single submitter. Criteria: Ambry Variant Classification Scheme 2023. Collection method: clinical testing. Allele origin: germline.
Comment: The p.E451K variant (also known as c.1351G>A), located in coding exon 20 of the COL3A1 gene, results from a G to A substitution at nucleotide position 1351. The glutamic acid at codon 451 is replaced by lysine, an amino acid with similar properties. This variant was identified in one or more individuals with features consistent with vascular Ehlers-Danlos syndrome (EDS) and segregated with disease in at least one family (Ghali N et al. Genet Med, 2019 Sep;21:2081-2091; Colman M et al. Clin Exp Rheumatol, 2022 May;40 Suppl 134:46-62; external communication; Ambry internal data). This amino acid position is not well conserved in available vertebrate species. In addition, the in silico prediction for this alteration is inconclusive. This variant is considered to be rare based on population cohorts in the Genome Aggregation Database (gnomAD). Based on the majority of available evidence to date, this variant is likely to be pathogenic.

Labcorp Genetics (formerly Invitae), Labcorp
Classification: Pathogenic for Ehlers-Danlos syndrome, type 4. Last evaluated: 2023-05-17. Review status: criteria provided, single submitter. Criteria: Invitae Variant Classification Sherloc (09022015). Collection method: clinical testing. Allele origin: germline.
Comment: This sequence change replaces glutamic acid, which is acidic and polar, with lysine, which is basic and polar, at codon 451 of the COL3A1 protein (p.Glu451Lys). This variant is not present in population databases (gnomAD no frequency). For these reasons, this variant has been classified as Pathogenic. Advanced modeling of protein sequence and biophysical properties (such as structural, functional, and spatial information, amino acid conservation, physicochemical variation, residue mobility, and thermodynamic stability) has been performed at Invitae for this missense variant, however the output from this modeling did not meet the statistical confidence thresholds required to predict the impact of this variant on COL3A1 protein function. ClinVar contains an entry for this variant (Variation ID: 561178). This missense change has been observed in individuals with clinical features of vascular Ehlers-Danlos syndrome (PMID: 30837697; Invitae). It has also been observed to segregate with disease in related individuals.

Division of Medical Genetics at University of Versailles, Paris Saclay University
Classification: Likely pathogenic for Ehlers-Danlos syndrome, type 4. Review status: no assertion criteria provided. Collection method: clinical testing. Allele origin: de novo. Inheritance: Sporadic. Affected: yes. Observed: 1 heterozygote. Not counted in ClinVar's aggregate classification.

GeneDx
Classification: Uncertain significance. Last evaluated: 2019-03-18. Review status: flagged submission. Criteria: GeneDx Variant Classification Process June 2021. Collection method: clinical testing. Allele origin: germline. Affected: yes. Not counted in ClinVar's aggregate classification.
Comment: Has not been previously published as pathogenic or benign to our knowledge; Not observed in large population cohorts (Lek et al., 2016); Occurs in the triple helical domain at the X position in the canonical Gly-X-Y repeat. Although this variant may have an effect on normal protein folding and function, missense substitution at the X position is not a common mechanism of disease (Stenson et al., 2014); Other COL3A1 variants that result in a X-position substitution of glutamic acid with lysine have been reported in association with EDS; however, it is unknown whether this variant would have similar effect (Ghali et al., 2019); In silico analysis, which includes protein predictors and evolutionary conservation, supports that this variant does not alter protein structure/function; This variant is associated with the following publications: (PMID: 30837697)
ClinVar note: Reason: Older and outlier claim with insufficient supporting evidence

Literature cited by the submitters: PubMed 30837697 (cited by Ambry Genetics and Labcorp Genetics (formerly Invitae), Labcorp); PubMed 35587586 (cited by Ambry Genetics).